The following is an entry in ClinVar:

NM_005120.3(MED12):c.499T>C (p.Tyr167His)

Gene: MED12 (mediator complex subunit 12; plus strand). Cytogenetic location: Xq13.1.
Variant type: single nucleotide variant.
Coding change: c.499T>C on transcript NM_005120.3 (MANE Select); coding-DNA position 499, T replaced by C.
Protein change: p.Tyr167His; replaces tyrosine 167 with histidine.
Molecular consequence: missense variant.
Genome position (GRCh38, 1-based): chrX:71,120,116, T>C. VCF-style: chrX-71120116-T-C. GRCh37 (hg19) VCF-style: chrX-70339966-T-C.
Other names: short protein forms Y167H.
Identifiers: ClinVar variation 3899412 (VCV003899412.1).
Genomic context (GRCh38, chrX:71,120,116, plus strand): 5'-GCCAAATACACAGTGCCTGTGATGCGGGCTGCCTGGCTCATTAAGATGACCTGTGCCTAC[T>C]ATGCAGCAATCTCTGAGACCAAGGTTAAGAAGAGACATGTTGACCCTTTCATGGGTGAGT-3'
Protein context (NP_005111.2, residues 157-177): AWLIKMTCAY[Tyr167His]AAISETKVKK

ClinVar aggregate classification (germline): Uncertain significance (1 of 4 stars; one submission).

Submission:

GeneDx
Classification: Uncertain significance. Last evaluated: 2024-11-18. Review status: criteria provided, single submitter. Criteria: GeneDx Variant Classification Process June 2021. Collection method: clinical testing. Allele origin: germline. Affected: yes.
Comment: Has not been previously published as pathogenic or benign to our knowledge; Not observed at significant frequency in large population cohorts (gnomAD); In silico analysis indicates that this missense variant does not alter protein structure/function